The following is an entry in ClinVar:

NM_001458.5(FLNC):c.7261del (p.Leu2421fs)

Genes: FLNC-AS1 (FLNC antisense RNA 1; minus strand), FLNC (filamin C; plus strand). Cytogenetic location: 7q32.1.
Variant type: Deletion.
Coding change: c.7261del on transcript NM_001458.5 (MANE Select); coding-DNA position 7261, one base deleted (C; older notation c.7261delC).
Protein change: p.Leu2421fs; shifts the reading frame from leucine 2421.
Molecular consequence: frameshift variant.
Genome position (GRCh38, 1-based): chr7:128,856,527, C deleted. VCF-style (leftmost placement, unchanged base first): chr7-128856526-GC-G. GRCh37 (hg19) VCF-style: chr7-128496580-GC-G.
Other names: c.7162del, p.Leu2388fs (NM_001127487.2); short protein forms L2388fs, L2421fs.
Identifiers: ClinVar variation 1069991 (VCV001069991.7), dbSNP rs2128940107, ClinGen allele CA2499218756.

ClinVar aggregate classification (germline): Pathogenic (1 of 4 stars; one submission).

Conditions:
Myofibrillar myopathy 5. Also called: Filaminopathy (type); FILAMINOPATHY, AUTOSOMAL DOMINANT. Identifiers: Orphanet 171445, MedGen C1836050, MONDO:0012289, OMIM 609524.
Distal myopathy with posterior leg and anterior hand involvement. Also called: WILLIAMS DISTAL MYOPATHY. Identifiers: Orphanet 63273, MedGen C3279722, MONDO:0013550, OMIM 614065.
Hypertrophic cardiomyopathy 26. Also called: Cardiomyopathy, familial hypertrophic, 26. Identifiers: Orphanet 75249, MedGen C4310749, MONDO:0014883, OMIM 617047.

Allele frequency attached by ClinVar (database versions not stated): gnomAD exomes below 0.00001.

Submission:

Labcorp Genetics (formerly Invitae), Labcorp
Classification: Pathogenic for Distal myopathy with posterior leg and anterior hand involvement; Myofibrillar myopathy 5; Hypertrophic cardiomyopathy 26. Last evaluated: 2020-11-15. Review status: criteria provided, single submitter. Criteria: Invitae Variant Classification Sherloc (09022015). Collection method: clinical testing. Allele origin: germline.
Comment: This sequence change creates a premature translational stop signal (p.Leu2421Serfs*3) in the FLNC gene. It is expected to result in an absent or disrupted protein product. This variant is not present in population databases (ExAC no frequency). This variant has not been reported in the literature in individuals with FLNC-related conditions. Loss-of-function variants in FLNC are known to be pathogenic (PMID: 27908349). For these reasons, this variant has been classified as Pathogenic.

Literature cited by the submitters: PubMed 27908349.